The following is an entry in ClinVar:

NM_000548.5(TSC2):c.4870_4871del (p.Leu1624fs)

Gene: TSC2 (TSC complex subunit 2; plus strand). Cytogenetic location: 16p13.3.
Variant type: Deletion.
Coding change: c.4870_4871del on transcript NM_000548.5 (MANE Select); coding-DNA positions 4870 to 4871, 2 bases deleted (CT; older notation c.4870_4871delCT).
Protein change: p.Leu1624fs; shifts the reading frame from leucine 1624.
Molecular consequence: frameshift variant.
Genome position (GRCh38, 1-based): chr16:2,086,752-2,086,753, CT deleted. VCF-style (leftmost placement, unchanged base first): chr16-2086751-CCT-C. GRCh37 (hg19) VCF-style: chr16-2136752-CCT-C.
Other names: c.4669_4670del, p.Leu1557fs (NM_001077183.3); c.4801_4802del, p.Leu1601fs (NM_001114382.3); c.4561_4562del, p.Leu1521fs (NM_001318827.2); c.4525_4526del, p.Leu1509fs (NM_001318829.2); c.4138_4139del, p.Leu1380fs (NM_001318831.2); c.4702_4703del, p.Leu1568fs (NM_001318832.2); c.4672_4673del, p.Leu1558fs (NM_001363528.2); c.4738_4739del, p.Leu1580fs (NM_001370404.1); and 2 more; short protein forms L1380fs, L1581fs, L1601fs, L1509fs, L1558fs, L1568fs, L1521fs, L1557fs.
Identifiers: ClinVar variation 49329 (VCV000049329.4), dbSNP rs137854095, ClinGen allele CA021159.

ClinVar aggregate classification (germline): Pathogenic. Review status: criteria provided, multiple submitters, no conflicts (2 of 4 stars). 4 submissions from 4 submitters: Pathogenic (3). 1 of the submissions does not count toward it. Last evaluated 2026-03-02.

Conditions:
Tuberous sclerosis syndrome (TSC). Also called: Tuberous Sclerosis Complex; Tuberous sclerosis. Identifiers: Orphanet 805, MedGen C0041341, MONDO:0001734.
Tuberous sclerosis 2 (TSC2). Identifiers: Orphanet 805, MedGen C1860707, MONDO:0013199, OMIM 613254.

Submissions (4):

GeneDx
Classification: Pathogenic. Last evaluated: 2026-03-02. Review status: criteria provided, single submitter. Criteria: GeneDx Variant Classification Process June 2021. Collection method: clinical testing. Allele origin: germline.
Comment: Frameshift variant predicted to result in protein truncation or nonsense mediated decay in a gene for which loss of function is a known mechanism of disease; Not observed at significant frequency in large population cohorts (gnomAD); This variant is associated with the following publications: (PMID: 15798777, 10533067)

Labcorp Genetics (formerly Invitae), Labcorp
Classification: Pathogenic for Tuberous sclerosis 2. Last evaluated: 2025-07-21. Review status: criteria provided, single submitter. Criteria: Invitae Variant Classification Sherloc (09022015). Collection method: clinical testing. Allele origin: germline.
Comment: This sequence change creates a premature translational stop signal (p.Leu1624Aspfs*28) in the TSC2 gene. It is expected to result in an absent or disrupted protein product. Loss-of-function variants in TSC2 are known to be pathogenic (PMID: 10205261, 17304050). This variant is not present in population databases (gnomAD no frequency). This premature translational stop signal has been observed in individual(s) with tuberous sclerosis complex (PMID: 10533067; internal data). In at least one individual the variant was observed to be de novo. ClinVar contains an entry for this variant (Variation ID: 49329). For these reasons, this variant has been classified as Pathogenic.

Women's Health and Genetics/Laboratory Corporation of America, LabCorp
Classification: Pathogenic for Tuberous sclerosis syndrome. Last evaluated: 2025-03-10. Review status: criteria provided, single submitter. Criteria: LabCorp Variant Classification Summary - May 2015. Collection method: clinical testing. Allele origin: germline.
Comment: Variant summary: TSC2 c.4870_4871delCT (p.Leu1624AspfsX28) results in a premature termination codon, predicted to cause absence of the protein due to nonsense mediated decay, which is a commonly known mechanism for disease. The variant was absent in 249492 control chromosomes. c.4870_4871delCT has been reported in the literature in at-least one individual affected with Tuberous Sclerosis Complex (Niida_1999). To our knowledge, no experimental evidence demonstrating an impact on protein function has been reported. The following publication has been ascertained in the context of this evaluation (PMID: 10533067). ClinVar contains an entry for this variant (Variation ID: 49329). Based on the evidence outlined above, the variant was classified as pathogenic.

Tuberous sclerosis database (TSC2)
No classification provided. Condition: TSC. Review status: no classification provided. Criteria: Tuberous Sclerosis Database Assertion Criteria 2015. Collection method: curation. Allele origin: germline. Affected: yes. Not counted in ClinVar's aggregate classification.

Literature cited by the submitters: PubMed 10205261 (cited by Labcorp Genetics (formerly Invitae), Labcorp); PubMed 17304050 (cited by Labcorp Genetics (formerly Invitae), Labcorp); PubMed 10533067 (cited by Labcorp Genetics (formerly Invitae), Labcorp and Women's Health and Genetics/Laboratory Corporation of America, LabCorp).